The following is an entry in ClinVar:

NM_005802.5(TOPORS):c.1196C>A (p.Ala399Asp)

Gene: TOPORS (TOP1 binding arginine/serine rich protein, E3 ubiquitin ligase; minus strand). Cytogenetic location: 9p21.1.
Variant type: single nucleotide variant.
Coding change: c.1196C>A on transcript NM_005802.5 (MANE Select); coding-DNA position 1196, C replaced by A.
Protein change: p.Ala399Asp; replaces alanine 399 with aspartic acid.
Molecular consequence: missense variant.
Genome position (GRCh38, 1-based): chr9:32,543,329, G>T on the plus strand (C>A on the coding strand, the complement: TOPORS is on the minus strand). VCF-style: chr9-32543329-G-T. GRCh37 (hg19) VCF-style: chr9-32543327-G-T.
Other names: c.1001C>A, p.Ala334Asp (NM_001195622.2); short protein forms A334D, A399D.
Identifiers: ClinVar variation 1468587 (VCV001468587.9), dbSNP rs2118968282, ClinGen allele CA373170960.
Genomic context (GRCh38, chr9:32,543,329, plus strand): 5'-TCATCATCCCATGGTGCCTGACTAACAGTGGCTACATTAATATCCAGCTCTTGGGTCTCA[G>T]CCTCATCTGGAGATATTGTTATGACTGAAGAATCAGAATGGCTGCCTTCTTCGTATGAAG-3'
Protein context (NP_005793.2, residues 389-409): SSVITISPDE[Ala399Asp]ETQELDINVA

ClinVar aggregate classification (germline): Uncertain significance. Review status: criteria provided, multiple submitters, no conflicts (2 of 4 stars). 2 submissions from 2 submitters: Uncertain significance (2). Last evaluated 2022-11-06.

Submissions (2):

Blueprint Genetics
Classification: Uncertain significance. Last evaluated: 2022-11-06. Review status: criteria provided, single submitter. Criteria: ACMG Guidelines, 2015. Collection method: clinical testing. Allele origin: germline.

Labcorp Genetics (formerly Invitae), Labcorp
Classification: Uncertain significance. Last evaluated: 2022-06-13. Review status: criteria provided, single submitter. Criteria: Invitae Variant Classification Sherloc (09022015). Collection method: clinical testing. Allele origin: germline.
Comment: In summary, the available evidence is currently insufficient to determine the role of this variant in disease. Therefore, it has been classified as a Variant of Uncertain Significance. Algorithms developed to predict the effect of missense changes on protein structure and function are either unavailable or do not agree on the potential impact of this missense change (SIFT: "Deleterious"; PolyPhen-2: "Probably Damaging"; Align-GVGD: "Class C0"). This variant has not been reported in the literature in individuals affected with TOPORS-related conditions. This variant is not present in population databases (gnomAD no frequency). This sequence change replaces alanine, which is neutral and non-polar, with aspartic acid, which is acidic and polar, at codon 399 of the TOPORS protein (p.Ala399Asp).